The following is an entry in ClinVar:

NM_005334.3(HCFC1):c.3892G>A (p.Glu1298Lys)

Gene: HCFC1 (host cell factor C1; minus strand). Cytogenetic location: Xq28.
Variant type: single nucleotide variant.
Coding change: c.3892G>A on transcript NM_005334.3 (MANE Select); coding-DNA position 3892, G replaced by A.
Protein change: p.Glu1298Lys; replaces glutamic acid 1298 with lysine.
Molecular consequence: missense variant.
Genome position (GRCh38, 1-based): chrX:153,954,507, C>T on the plus strand (G>A on the coding strand, the complement: HCFC1 is on the minus strand). VCF-style: chrX-153954507-C-T. GRCh37 (hg19) VCF-style: chrX-153219958-C-T.
Other names: short protein forms E1298K.
Identifiers: ClinVar variation 450155 (VCV000450155.12), dbSNP rs781949446, ClinGen allele CA10557117.

ClinVar aggregate classification (germline): Conflicting classifications of pathogenicity. Review status: criteria provided, conflicting classifications (1 of 4 stars). 3 submissions from 3 submitters: Uncertain significance (2); Likely benign (1). Last evaluated 2025-10-01.

Conditions:
Methylmalonic acidemia with homocystinuria, type cblX (MAHCX). Also called: INTELLECTUAL DEVELOPMENTAL DISORDER, X-LINKED 3. Identifiers: Orphanet 369962, MedGen C0796208, MONDO:0010657, OMIM 309541.
Inborn genetic diseases. Identifiers: MedGen C0950123, MeSH D030342.

Allele frequency attached by ClinVar (database versions not stated): ExAC 0.00001; gnomAD exomes 0.00002; gnomAD 0.00006 and 0.00007; TOPMed 0.00016; 1000 Genomes Project 30x 0.00021; 1000 Genomes Project 0.00026.
gnomAD v4.1: 18 of 1,210,216 alleles (0.0015%); highest among the groups gnomAD compares: Admixed American, 0.03%; no homozygotes.

Submissions (3):

Labcorp Genetics (formerly Invitae), Labcorp
Classification: Likely benign for Methylmalonic acidemia with homocystinuria, type cblX. Last evaluated: 2025-10-01. Review status: criteria provided, single submitter. Criteria: Invitae Variant Classification Sherloc (09022015). Collection method: clinical testing. Allele origin: germline.

Ambry Genetics
Classification: Uncertain significance for Inborn genetic diseases. Last evaluated: 2022-04-12. Review status: criteria provided, single submitter. Criteria: Ambry Variant Classification Scheme 2023. Collection method: clinical testing. Allele origin: germline.

GeneDx
Classification: Uncertain significance. Last evaluated: 2017-07-03. Review status: criteria provided, single submitter. Criteria: GeneDx Variant Classification (06012015). Collection method: clinical testing. Allele origin: germline. Affected: yes.
Comment: The E1298K variant has not been published as a pathogenic variant, nor has it been reported as a benign variant to our knowledge. The E1298K variant is observed in 1/9303 (0.01%) alleles from individuals of Latino background, including 1 hemizygous individual in large population cohorts (Lek et al., 2016; 1000 Genomes Consortium et al., 2015; Exome Variant Server). The E1298K variant is a non-conservative amino acid substitution, which is likely to impact secondary protein structure as these residues differ in polarity, charge, size and/or other properties. This substitution occurs at a position that is not conserved. In silico analysis is inconsistent in its predictions as to whether or not the variant is damaging to the protein structure/function. In summary, based on the currently available information, it is unclear whether this variant is a pathogenic variant or a rare benign variant.